The following is an entry in ClinVar:

ClinVar aggregate classification (germline): Likely pathogenic (1 of 4 stars; one submission).

Conditions:
Nemaline myopathy 2 (NEM2). Also called: Nemaline myopathy 2, autosomal recessive. Identifiers: MedGen C1850569, MONDO:0009725, OMIM 256030.

Submission:

Myriad Genetics, Inc.
Classification: Likely pathogenic for Nemaline myopathy 2. Last evaluated: 2022-01-02. Review status: criteria provided, single submitter. Criteria: Myriad Women's Health Autosomal Recessive and X-Linked Classification Criteria (2021). Collection method: clinical testing. Allele origin: unknown.
Comment: NM_001271208.1(NEB):c.25102C>T(Q8368*) is expected to be pathogenic in the context of NEB-related nemaline myopathy. This variant is predicted to lead to an abnormal or absent protein product due to the creation of a premature termination codon in NEB, a gene where loss-of-function variants are known to be pathogenic. Please note: this variant was assessed in the context of healthy population screening.

NM_001164508.2(NEB):c.24997C>T (p.Gln8333Ter)

Genes: NEB (nebulin; minus strand), RIF1 (replication timing regulatory factor 1; plus strand). Cytogenetic location: 2q23.3.
Variant type: single nucleotide variant.
Coding change: c.24997C>T on transcript NM_001164508.2 (MANE Select); coding-DNA position 24997, C replaced by T.
Protein change: p.Gln8333Ter; replaces glutamine 8333 with a stop codon.
Molecular consequence: nonsense.
Genome position (GRCh38, 1-based): chr2:151,492,158, G>A on the plus strand (C>T on the coding strand, the complement: NEB is on the minus strand). VCF-style: chr2-151492158-G-A. GRCh37 (hg19) VCF-style: chr2-152348672-G-A.
Other names: c.24997C>T, p.Gln8333Ter (NM_001164507.2); c.25102C>T, p.Gln8368Ter (NM_001271208.2); c.19429C>T, p.Gln6477Ter (NM_004543.5); short protein forms Q6477*, Q8333*, Q8368*.
Identifiers: ClinVar variation 1726972 (VCV001726972.2), dbSNP rs2551706794, ClinGen allele CA348773460.